The following is an entry in ClinVar:

ClinVar aggregate classification (germline): Likely pathogenic (1 of 4 stars; one submission).

Conditions:
Dilated cardiomyopathy 1G (CMD1G). Identifiers: Orphanet 154, MedGen C1858763, MONDO:0011400, OMIM 604145.
Autosomal recessive limb-girdle muscular dystrophy type 2J (LGMDR10). Also called: Limb-girdle muscular dystrophy, type 2J; MUSCULAR DYSTROPHY, LIMB-GIRDLE, AUTOSOMAL RECESSIVE 10. Identifiers: Orphanet 140922, MedGen C1837342, MONDO:0012127, OMIM 608807.

Submission:

Labcorp Genetics (formerly Invitae), Labcorp
Classification: Likely pathogenic for Dilated cardiomyopathy 1G; Autosomal recessive limb-girdle muscular dystrophy type 2J. Last evaluated: 2022-02-20. Review status: criteria provided, single submitter. Criteria: Invitae Variant Classification Sherloc (09022015). Collection method: clinical testing. Allele origin: germline.
Comment: This variant is not present in population databases (gnomAD no frequency). This variant has not been reported in the literature in individuals affected with TTN-related conditions. This variant is located in the A band of TTN (PMID: 25589632). Truncating variants in this region are significantly overrepresented in patients affected with dilated cardiomyopathy (PMID: 25589632). Truncating variants in this region have also been reported in individuals affected with autosomal recessive centronuclear myopathy (PMID: 23975875). In summary, the currently available evidence indicates that the variant is pathogenic, but additional data are needed to prove that conclusively. Therefore, this variant has been classified as Likely Pathogenic. This sequence change creates a premature translational stop signal (p.Gly33061*) in the TTN gene. While this is not anticipated to result in nonsense mediated decay, it is expected to create a truncated TTN protein.

Literature cited by the submitters: PubMed 25589632; PubMed 23975875.

NM_001267550.2(TTN):c.99181G>T (p.Gly33061Ter)

Genes: TTN-AS1 (TTN antisense RNA 1; plus strand), TTN (titin; minus strand). Cytogenetic location: 2q31.2.
Variant type: single nucleotide variant.
Coding change: c.99181G>T on transcript NM_001267550.2 (MANE Select); coding-DNA position 99181, G replaced by T.
Protein change: p.Gly33061Ter; replaces glycine 33061 with a stop codon.
Molecular consequence: nonsense.
Genome position (GRCh38, 1-based): chr2:178,538,648, C>A on the plus strand (G>T on the coding strand, the complement: TTN is on the minus strand). VCF-style: chr2-178538648-C-A. GRCh37 (hg19) VCF-style: chr2-179403375-C-A.
Other names: c.94258G>T, p.Gly31420Ter (NM_001256850.1); c.71986G>T, p.Gly23996Ter (NM_003319.4); c.91477G>T, p.Gly30493Ter (NM_133378.4); c.72361G>T, p.Gly24121Ter (NM_133432.3); c.72562G>T, p.Gly24188Ter (NM_133437.4); short protein forms G30493*, G33061*, G23996*, G31420*, G24121*, G24188*.
Identifiers: ClinVar variation 2100760 (VCV002100760.4), dbSNP rs2154139241, ClinGen allele CA349430772.